The following is an entry in ClinVar:

ClinVar aggregate classification (germline): Likely pathogenic (1 of 4 stars; one submission).

Conditions:
GREB1L-related disorder. Also called: GREB1L-related condition.

Submission:

PreventionGenetics, part of Exact Sciences
Classification: Likely pathogenic for GREB1L-related condition. Last evaluated: 2025-03-25. Review status: criteria provided, single submitter. Criteria: ACMG Guidelines, 2015. Collection method: clinical testing. Allele origin: germline.
Comment: The GREB1L c.532+2T>G variant is predicted to disrupt the GT donor site and interfere with normal splicing. To our knowledge, this variant has not been reported in the literature or in a large population database (gnomAD), indicating this variant is rare. Variants that disrupt the consensus splice donor site in GREB1L are expected to be pathogenic. This variant is interpreted as likely pathogenic.

NM_001142966.3(GREB1L):c.532+2T>G

Genes: GREB1L (GREB1 like retinoic acid receptor coactivator; plus strand), GREB1L-AS1 (GREB1L antisense RNA 1; minus strand). Cytogenetic location: 18q11.1.
Variant type: single nucleotide variant.
Coding change: c.532+2T>G on transcript NM_001142966.3 (MANE Select); the canonical splice donor site of the intron after coding-DNA position 532, T replaced by G.
Molecular consequence: splice donor variant.
Genome position (GRCh38, 1-based): chr18:21,395,563, T>G. VCF-style: chr18-21395563-T-G. GRCh37 (hg19) VCF-style: chr18-18975524-T-G.
Other names: c.532+2T>G (NM_001410867.1, NM_001410868.1).
Identifiers: ClinVar variation 5001280 (VCV005001280.1).